The following is an entry in ClinVar:

NM_000138.5(FBN1):c.1883dup (p.Cys628fs)

Gene: FBN1 (fibrillin 1; minus strand). Cytogenetic location: 15q21.1.
Variant type: Duplication.
Coding change: c.1883dup on transcript NM_000138.5 (MANE Select); coding-DNA position 1883, one base duplicated (G; older notation c.1883dupG).
Protein change: p.Cys628fs; shifts the reading frame from cysteine 628.
Molecular consequence: frameshift variant.
Genome position (GRCh38, 1-based): chr15:48,505,102, C duplicated on the plus strand (G on the coding strand, the reverse complement: FBN1 is on the minus strand). VCF-style (leftmost placement, unchanged base first): chr15-48505101-G-GC. GRCh37 (hg19) VCF-style: chr15-48797298-G-GC.
Other names: c.1883dup, p.Cys628fs (NM_001406716.1); short protein forms C628fs.
Identifiers: ClinVar variation 4531198 (VCV004531198.1).
Genomic context (GRCh38, chr15:48,505,101, plus strand): 5'-ATCCAGACCCACAGCCAGTCCAGGGAAGCATTCACATCTGTAGGAGCCATCAGTGTTGAC[G>GC]CAACGCCCATTCATGCAGATCCCAGGGGTTTCACACTCGTTAATGTCTGTGGCAGAGAAA-3'

ClinVar aggregate classification (germline): Likely pathogenic (1 of 4 stars; one submission).

Conditions:
Marfan syndrome (MFS). Also called: MARFAN SYNDROME, TYPE I; Marfan syndrome type 1; Marfan's syndrome; Marfan syndrome, classic; FBN1-Related Marfan Syndrome. Identifiers: Orphanet 284963, Orphanet 558, MedGen C0024796, MONDO:0007947, OMIM 154700.

Submission:

Juno Genomics, Hangzhou Juno Genomics, Inc
Classification: Likely pathogenic for Marfan syndrome. Review status: criteria provided, single submitter. Criteria: ACMG Guidelines, 2015. Collection method: clinical testing. Allele origin: germline. Affected: yes.
Comment: Absent from controls (or at extremely low frequency if recessive) in Genome Aggregation Database, Exome Sequencing Project, 1000 Genomes Project, or Exome Aggregation Consortium.;Null variant in a gene where loss of function (LOF) is a known mechanism of disease.